The following is an entry in ClinVar:

ClinVar aggregate classification (germline): Benign/Likely benign. Review status: criteria provided, multiple submitters, no conflicts (2 of 4 stars). 8 submissions from 8 submitters: Benign (1); Likely benign (6). 1 of the submissions does not count toward it. Last evaluated 2026-04-20.

Conditions:
SLC25A46-related disorder. Also called: SLC25A46-related condition.
Inborn genetic diseases. Identifiers: MedGen C0950123, MeSH D030342.
Neuropathy, hereditary motor and sensory, type 6B (HMSN6B). Also called: HMSN VIB; CHARCOT-MARIE-TOOTH DISEASE, TYPE 6B; NEUROPATHY, HEREDITARY MOTOR AND SENSORY, TYPE VIB, WITH OPTIC ATROPHY; Neuropathy, hereditary motor and sensory, type VIB. Identifiers: MedGen C4225302, MONDO:0014671, OMIM 616505.

Allele frequency attached by ClinVar (database versions not stated): 1000 Genomes Project 30x 0.00031; 1000 Genomes Project 0.00040; TOPMed 0.00186; gnomAD 0.00187 and 0.00193; ExAC 0.00196; gnomAD exomes 0.00216 and 0.00247; ESP Exome Variant Server 0.00238.
gnomAD v4.1: 3,893 of 1,613,730 alleles (0.24%); highest among the groups gnomAD compares: Middle Eastern, 0.59%; 15 homozygotes.

Submissions (8):

Women's Health and Genetics/Laboratory Corporation of America, LabCorp
Classification: Likely benign. Last evaluated: 2026-04-20. Review status: criteria provided, single submitter. Criteria: LabCorp Variant Classification Summary - May 2015. Collection method: clinical testing. Allele origin: germline.
Comment: Variant summary: SLC25A46 c.767A>G (p.Lys256Arg) results in a conservative amino acid change in the encoded protein sequence. Algorithms developed to predict the effect of missense changes on protein structure and function are either unavailable or do not agree on the potential impact of this missense change. The variant allele was found at a frequency of 0.0022 in 250884 control chromosomes. The observed variant frequency exceeds the estimated maximal expected allele frequency for disease-causing variants in SLC25A46. c.767A>G has been observed in at least 1 individual(s) affected with clinical features of late onset Neuropathy, hereditary motor and sensory, type 6B (example, Bitetto_2020) without strong evidence for causality. These report(s) do not provide unequivocal conclusions about association of the variant with SLC25A46-related conditions. To our knowledge, no experimental evidence demonstrating an impact on protein function has been reported. The following publication has been ascertained in the context of this evaluation (PMID: 32259769). ClinVar contains an entry for this variant (Variation ID: 475800). Based on the evidence outlined above, the variant was classified as likely benign.

CeGaT Center for Human Genetics Tuebingen
Classification: Likely benign. Last evaluated: 2026-03-01. Review status: criteria provided, single submitter. Criteria: CeGaT Center For Human Genetics Tuebingen Variant Classification Criteria Version 2. Collection method: clinical testing. Allele origin: germline. Affected: yes. Observed: 11 variant alleles.
Comment: SLC25A46: BS2

Labcorp Genetics (formerly Invitae), Labcorp
Classification: Likely benign for Neuropathy, hereditary motor and sensory, type 6B. Last evaluated: 2026-01-21. Review status: criteria provided, single submitter. Criteria: Invitae Variant Classification Sherloc (09022015). Collection method: clinical testing. Allele origin: germline.

Blueprint Genetics
Classification: Likely benign. Last evaluated: 2024-11-20. Review status: criteria provided, single submitter. Criteria: ACMG Guidelines, 2015. Collection method: clinical testing. Allele origin: germline.

Mayo Clinic Laboratories, Mayo Clinic
Classification: Benign. Last evaluated: 2023-12-15. Review status: criteria provided, single submitter. Criteria: ACMG Guidelines, 2015. Collection method: clinical testing. Allele origin: germline. Observed: 9 variant alleles.
Comment: BS1, BS2, BP4

Ambry Genetics
Classification: Likely benign for Inborn genetic diseases. Last evaluated: 2021-03-19. Review status: criteria provided, single submitter. Criteria: Ambry Variant Classification Scheme 2023. Collection method: clinical testing. Allele origin: germline.

GeneDx
Classification: Likely benign. Last evaluated: 2020-09-12. Review status: criteria provided, single submitter. Criteria: GeneDx Variant Classification Process June 2021. Collection method: clinical testing. Allele origin: germline. Affected: yes.
Comment: This variant is associated with the following publications: (PMID: 32259769)

PreventionGenetics, part of Exact Sciences
Classification: Likely benign for SLC25A46-related condition. Last evaluated: 2022-02-04. Review status: no assertion criteria provided. Collection method: clinical testing. Allele origin: germline. Not counted in ClinVar's aggregate classification.
Comment: This variant is classified as likely benign based on ACMG/AMP sequence variant interpretation guidelines (Richards et al. 2015 PMID: 25741868, with internal and published modifications).

Literature cited by the submitters: PubMed 32259769 (cited by Women's Health and Genetics/Laboratory Corporation of America, LabCorp and Mayo Clinic Laboratories, Mayo Clinic).

NM_138773.4(SLC25A46):c.767A>G (p.Lys256Arg)

Gene: SLC25A46 (solute carrier family 25 member 46; plus strand). Cytogenetic location: 5q22.1.
Variant type: single nucleotide variant.
Coding change: c.767A>G on transcript NM_138773.4 (MANE Select); coding-DNA position 767, A replaced by G.
Protein change: p.Lys256Arg; replaces lysine 256 with arginine.
Molecular consequence: missense variant. On other transcripts: non-coding transcript variant (1), intron variant (1).
Genome position (GRCh38, 1-based): chr5:110,761,292, A>G. VCF-style: chr5-110761292-A-G. GRCh37 (hg19) VCF-style: chr5-110096992-A-G.
Other names: p.Lys256Arg; c.494A>G, p.Lys165Arg (NM_001303250.3); c.679-155A>G (NM_001303249.3); c.767A>G (NM_138773.3); short protein forms K256R, K165R.
Identifiers: ClinVar variation 475800 (VCV000475800.61), dbSNP rs141213807, ClinGen allele CA3364740.
Genomic context (GRCh38, chr5:110,761,292, plus strand): 5'-TTTTGGAGTGTGTTAAAGAAGGAATTGGAAGAGTGATAGGCATGGGAGTGCCTCATAGCA[A>G]ACGACTTCTTCCGCTTCTTTCCTTGATCTTCCCTACGGTGCTTCATGGAGTTCTTCATTA-3'
Protein context (NP_620128.1, residues 246-266): RVIGMGVPHS[Lys256Arg]RLLPLLSLIF